The following is an entry in ClinVar:

NM_000697.3(ALOX12):c.782A>G (p.Gln261Arg)

Genes: ALOX12 (arachidonate 12-lipoxygenase, 12S type; plus strand), ALOX12-AS1 (ALOX12 antisense RNA 1; minus strand). Cytogenetic location: 17p13.1.
Variant type: single nucleotide variant.
Coding change: c.782A>G on transcript NM_000697.3 (MANE Select); coding-DNA position 782, A replaced by G.
Protein change: p.Gln261Arg; replaces glutamine 261 with arginine.
Molecular consequence: missense variant.
Genome position (GRCh38, 1-based): chr17:6,999,441, A>G. VCF-style: chr17-6999441-A-G. GRCh37 (hg19) VCF-style: chr17-6902760-A-G.
Other names: short protein forms Q261R.
Identifiers: ClinVar variation 1224614 (VCV001224614.4), dbSNP rs1126667, ClinGen allele CA8333307.
Genomic context (GRCh38, chr17:6,999,441, plus strand): 5'-TGAGACGCTCGACCTCTCTGCCCTCCAGGCTAGTGCTGCCCTCGGGGATGGAAGAGCTTC[A>G]GGCTCAACTGGAGAAAGAACTTCAGGTACCTCTCCTTCCCCTGCCTGGCACTGTTCTCTC-3'
Protein context (NP_000688.2, residues 251-271): LVLPSGMEEL[Gln261Arg]AQLEKELQNG

ClinVar aggregate classification (germline): Benign. Review status: criteria provided, multiple submitters, no conflicts (2 of 4 stars). 2 submissions from 2 submitters: Benign (2). Last evaluated 2018-11-10.

Allele frequency attached by ClinVar (database versions not stated): ExAC 0.59436; gnomAD exomes 0.59948; 1000 Genomes Project 0.60403; 1000 Genomes Project 30x 0.60806; ESP Exome Variant Server 0.60810; TOPMed 0.61545.
gnomAD v4.1: 941,975 of 1,612,702 alleles (58%); highest among the groups gnomAD compares: Admixed American, 69%; 276,802 homozygotes.

Submissions (2):

GeneDx
Classification: Benign. Last evaluated: 2018-11-10. Review status: criteria provided, single submitter. Criteria: GeneDx Variant Classification Process June 2021. Collection method: clinical testing. Allele origin: germline. Affected: yes.
Comment: This variant is associated with the following publications: (PMID: 20626912, 21104233, 24282679, 16514435, 17460548, 19885615, 22864639, 22977504, 18640486)

Breakthrough Genomics
Classification: Benign. Review status: criteria provided, single submitter. Criteria: ACMG Guidelines, 2015. Collection method: not provided. Allele origin: germline. Inheritance: Unknown mechanism. Affected: yes.